The following is an entry in ClinVar:

NM_007126.5(VCP):c.401A>T (p.Tyr134Phe)

Gene: VCP (valosin containing protein; minus strand). Cytogenetic location: 9p13.3.
Variant type: single nucleotide variant.
Coding change: c.401A>T on transcript NM_007126.5 (MANE Select); coding-DNA position 401, A replaced by T.
Protein change: p.Tyr134Phe; replaces tyrosine 134 with phenylalanine.
Molecular consequence: missense variant.
Genome position (GRCh38, 1-based): chr9:35,066,719, T>A on the plus strand (A>T on the coding strand, the complement: VCP is on the minus strand). VCF-style: chr9-35066719-T-A. GRCh37 (hg19) VCF-style: chr9-35066716-T-A.
Other names: c.266A>T, p.Tyr89Phe (NM_001354927.2, NM_001354928.2); short protein forms Y134F, Y89F.
Identifiers: ClinVar variation 2936575 (VCV002936575.3), dbSNP rs1828840466, ClinGen allele CA373291811.

ClinVar aggregate classification (germline): Uncertain significance (1 of 4 stars; one submission).

Conditions:
Frontotemporal dementia and/or amyotrophic lateral sclerosis 6 (FTDALS6). Also called: VCP-Related Amyotrophic Lateral Sclerosis/Frontotemporal Dementia; VCP-Related Amyotrophic Lateral Sclerosis. Identifiers: Orphanet 275872, Orphanet 803, MedGen C5436279, MONDO:0013501, OMIM 613954.
Inclusion body myopathy with Paget disease of bone and frontotemporal dementia. Also called: Inclusion body myopathy with early-onset Paget disease and frontotemporal dementia. Identifiers: Orphanet 52430, MedGen C1833662, MONDO:0000507.

Submission:

Labcorp Genetics (formerly Invitae), Labcorp
Classification: Uncertain significance for Inclusion body myopathy with Paget disease of bone and frontotemporal dementia; Frontotemporal dementia and/or amyotrophic lateral sclerosis 6. Last evaluated: 2024-01-10. Review status: criteria provided, single submitter. Criteria: Invitae Variant Classification Sherloc (09022015). Collection method: clinical testing. Allele origin: germline.
Comment: This sequence change replaces tyrosine, which is neutral and polar, with phenylalanine, which is neutral and non-polar, at codon 134 of the VCP protein (p.Tyr134Phe). This variant is not present in population databases (gnomAD no frequency). This variant has not been reported in the literature in individuals affected with VCP-related conditions. Advanced modeling of protein sequence and biophysical properties (such as structural, functional, and spatial information, amino acid conservation, physicochemical variation, residue mobility, and thermodynamic stability) performed at Invitae indicates that this missense variant is not expected to disrupt VCP protein function with a negative predictive value of 80%. In summary, the available evidence is currently insufficient to determine the role of this variant in disease. Therefore, it has been classified as a Variant of Uncertain Significance.